The following is an entry in ClinVar:

NM_000246.4(CIITA):c.455C>T (p.Pro152Leu)

Gene: CIITA (class II major histocompatibility complex transactivator; plus strand). Cytogenetic location: 16p13.13.
Variant type: single nucleotide variant.
Coding change: c.455C>T on transcript NM_000246.4 (MANE Select); coding-DNA position 455, C replaced by T.
Protein change: p.Pro152Leu; replaces proline 152 with leucine.
Molecular consequence: missense variant. On other transcripts: non-coding transcript variant (1).
Genome position (GRCh38, 1-based): chr16:10,901,532, C>T. VCF-style: chr16-10901532-C-T. GRCh37 (hg19) VCF-style: chr16-10995389-C-T.
Other names: c.458C>T, p.Pro153Leu (NM_001286402.1, NM_001379330.1, NM_001379332.1); c.455C>T, p.Pro152Leu (NM_001286403.2, NM_001379331.1, NM_001379333.1); c.386C>T, p.Pro129Leu (NM_001379334.1); short protein forms P152L, P153L, P129L.
Identifiers: ClinVar variation 645812 (VCV000645812.4), dbSNP rs774695473, ClinGen allele CA7899732.

ClinVar aggregate classification (germline): Uncertain significance. Review status: criteria provided, single submitter (1 of 4 stars). 2 submissions from 2 submitters: Uncertain significance (1). 1 of the submissions does not count toward it. Last evaluated 2022-08-23.

Conditions:
MHC class II deficiency. Also called: Bare lymphocyte syndrome 2; BLS, TYPE II. Identifiers: Orphanet 572, MedGen C5447452, MONDO:0008855.

Allele frequency attached by ClinVar (database versions not stated): TOPMed 0.00006; ExAC 0.00004; gnomAD exomes 0.00004; gnomAD 0.00005 and 0.00006.
gnomAD v4.1: 66 of 1,613,910 alleles (0.0041%); highest among the groups gnomAD compares: East Asian, 0.0045%; no homozygotes.

Submissions (2):

Labcorp Genetics (formerly Invitae), Labcorp
Classification: Uncertain significance for MHC class II deficiency. Last evaluated: 2022-08-23. Review status: criteria provided, single submitter. Criteria: Invitae Variant Classification Sherloc (09022015). Collection method: clinical testing. Allele origin: germline.
Comment: This sequence change replaces proline, which is neutral and non-polar, with leucine, which is neutral and non-polar, at codon 152 of the CIITA protein (p.Pro152Leu). This variant is present in population databases (rs774695473, gnomAD 0.01%). This variant has not been reported in the literature in individuals affected with CIITA-related conditions. ClinVar contains an entry for this variant (Variation ID: 645812). Algorithms developed to predict the effect of missense changes on protein structure and function (SIFT, PolyPhen-2, Align-GVGD) all suggest that this variant is likely to be tolerated. In summary, the available evidence is currently insufficient to determine the role of this variant in disease. Therefore, it has been classified as a Variant of Uncertain Significance.

Natera, Inc.
Classification: Uncertain significance for Bare lymphocyte syndrome type II. Last evaluated: 2020-09-16. Review status: no assertion criteria provided. Collection method: clinical testing. Allele origin: germline. Not counted in ClinVar's aggregate classification.